The following is an entry in ClinVar:

ClinVar aggregate classification (germline): Uncertain significance (1 of 4 stars; one submission).

Submission:

Labcorp Genetics (formerly Invitae), Labcorp
Classification: Uncertain significance. Last evaluated: 2021-10-19. Review status: criteria provided, single submitter. Criteria: Invitae Variant Classification Sherloc (09022015). Collection method: clinical testing. Allele origin: germline.
Comment: This sequence change replaces glycine, which is neutral and non-polar, with arginine, which is basic and polar, at codon 1664 of the ABCA3 protein (p.Gly1664Arg). This variant is present in population databases (rs748197095, gnomAD 0.03%). This variant has not been reported in the literature in individuals affected with ABCA3-related conditions. Algorithms developed to predict the effect of missense changes on protein structure and function are either unavailable or do not agree on the potential impact of this missense change (SIFT: "Tolerated"; PolyPhen-2: "Possibly Damaging"; Align-GVGD: "Class C0"). In summary, the available evidence is currently insufficient to determine the role of this variant in disease. Therefore, it has been classified as a Variant of Uncertain Significance.

NM_001089.3(ABCA3):c.4990G>C (p.Gly1664Arg)

Gene: ABCA3 (ATP binding cassette subfamily A member 3; minus strand). Cytogenetic location: 16p13.3.
Variant type: single nucleotide variant.
Coding change: c.4990G>C on transcript NM_001089.3 (MANE Select); coding-DNA position 4990, G replaced by C.
Protein change: p.Gly1664Arg; replaces glycine 1664 with arginine.
Molecular consequence: missense variant.
Genome position (GRCh38, 1-based): chr16:2,276,799, C>G on the plus strand (G>C on the coding strand, the complement: ABCA3 is on the minus strand). VCF-style: chr16-2276799-C-G. GRCh37 (hg19) VCF-style: chr16-2326800-C-G.
Other names: short protein forms G1664R.
Identifiers: ClinVar variation 1462986 (VCV001462986.3), dbSNP rs748197095, ClinGen allele CA7839921.
Genomic context (GRCh38, chr16:2,276,799, plus strand): 5'-AGATCTGGCTCACGGAGTAGTCGTCCACGCCGTACTTTTCCTTGGCTTTCTCCAGAATAC[C>G]GAAAACCTTTGGGGAGCAGAAAAGTCACTGGTAGGAGAGAACAGGGCCCAGGCTCCTCTG-3'
Protein context (NP_001080.2, residues 1654-1674): GRDLSWAKVF[Gly1664Arg]ILEKAKEKYG